The following is an entry in ClinVar:

ClinVar aggregate classification (germline): Likely benign (1 of 4 stars; one submission).

Conditions:
ATP2B2-related disorder. Also called: ATP2B2-related condition.

gnomAD v4.1: 10 of 1,614,002 alleles (0.00062%); highest among the groups gnomAD compares: African/African-American, 0.013%; no homozygotes.

Submission:

PreventionGenetics, part of Exact Sciences
Classification: Likely benign for ATP2B2-related condition. Last evaluated: 2026-02-24. Review status: criteria provided, single submitter. Criteria: ACMG Guidelines, 2015. Collection method: clinical testing. Allele origin: germline.
Comment: This variant is classified as likely benign based on ACMG/AMP sequence variant interpretation guidelines (Richards et al. 2015 PMID: 25741868, with internal and published modifications).

NM_001001331.4(ATP2B2):c.2871C>T (p.Gly957=)

Gene: ATP2B2 (ATPase plasma membrane Ca2+ transporting 2; minus strand). Cytogenetic location: 3p25.3.
Variant type: single nucleotide variant.
Coding change: c.2871C>T on transcript NM_001001331.4 (MANE Select); coding-DNA position 2871, C replaced by T.
Protein change: p.Gly957=; no amino-acid change (glycine 957 retained).
Molecular consequence: synonymous variant.
Genome position (GRCh38, 1-based): chr3:10,342,798, G>A on the plus strand (C>T on the coding strand, the complement: ATP2B2 is on the minus strand). VCF-style: chr3-10342798-G-A. GRCh37 (hg19) VCF-style: chr3-10384482-G-A.
Other names: c.2736C>T, p.Gly912= (NM_001330611.3, NM_001353564.1, NM_001363862.1 and 2 more transcripts); c.2778C>T, p.Gly926= (NM_001438646.1).
Identifiers: ClinVar variation 4994946 (VCV004994946.1).
Genomic context (GRCh38, chr3:10,342,798, plus strand): 5'-GGCGAGGCGCTCACCAACAAAGAGCAGGGTGAAGATGAGGGCAAGCTGGTAGACAGCATG[G>A]CCCAGGATGTTCTTCATCATGGTCCTGGAGATGAGCGGCTTGTTGCGGCCGTACGGCTTC-3'
Protein context (NP_001001331.1, residues 947-967): ISRTMMKNIL[Gly957=]HAVYQLALIF